The following is an entry in ClinVar:

NM_004525.3(LRP2):c.8452+6T>G

Gene: LRP2 (LDL receptor related protein 2; minus strand). Cytogenetic location: 2q31.1.
Variant type: single nucleotide variant.
Coding change: c.8452+6T>G on transcript NM_004525.3 (MANE Select); 6 bases into the intron after coding-DNA position 8452, T replaced by G.
Molecular consequence: intron variant.
Genome position (GRCh38, 1-based): chr2:169,201,622, A>C on the plus strand (T>G on the coding strand, the complement: LRP2 is on the minus strand). VCF-style: chr2-169201622-A-C. GRCh37 (hg19) VCF-style: chr2-170058132-A-C.
Identifiers: ClinVar variation 4726078 (VCV004726078.1).

ClinVar aggregate classification (germline): Uncertain significance (1 of 4 stars; one submission).

Submission:

Labcorp Genetics (formerly Invitae), Labcorp
Classification: Uncertain significance. Last evaluated: 2025-09-19. Review status: criteria provided, single submitter. Criteria: Invitae Variant Classification Sherloc (09022015). Collection method: clinical testing. Allele origin: germline.
Comment: This sequence change falls in intron 44 of the LRP2 gene. It does not directly change the encoded amino acid sequence of the LRP2 protein. It affects a nucleotide within the consensus splice site. This variant is not present in population databases (gnomAD no frequency). This variant has been observed in individual(s) with Donnai-Barrow syndrome (internal data). In at least one individual the data is consistent with being in trans (on the opposite chromosome) from a pathogenic variant. Variants that disrupt the consensus splice site are a relatively common cause of aberrant splicing (PMID: 17576681, 9536098). Algorithms developed to predict the effect of sequence changes on RNA splicing suggest that this variant may disrupt the consensus splice site. In summary, the available evidence is currently insufficient to determine the role of this variant in disease. Therefore, it has been classified as a Variant of Uncertain Significance.

Literature cited by the submitters: PubMed 17576681; PubMed 9536098.